The following is an entry in ClinVar:

NM_213599.3(ANO5):c.512G>A (p.Gly171Glu)

Gene: ANO5 (anoctamin 5; plus strand). Cytogenetic location: 11p14.3.
Variant type: single nucleotide variant.
Coding change: c.512G>A on transcript NM_213599.3 (MANE Select); coding-DNA position 512, G replaced by A.
Protein change: p.Gly171Glu; replaces glycine 171 with glutamic acid.
Molecular consequence: missense variant.
Genome position (GRCh38, 1-based): chr11:22,227,450, G>A. VCF-style: chr11-22227450-G-A. GRCh37 (hg19) VCF-style: chr11-22248996-G-A.
Other names: c.509G>A, p.Gly170Glu (NM_001142649.2); short protein forms G170E, G171E.
Identifiers: ClinVar variation 1508116 (VCV001508116.6), dbSNP rs977056246, ClinGen allele CA218735341.

ClinVar aggregate classification (germline): Uncertain significance (1 of 4 stars; one submission).

Conditions:
Gnathodiaphyseal dysplasia (GDD). Also called: GNATHODIAPHYSEAL SCLEROSIS; OSTEOGENESIS IMPERFECTA WITH UNUSUAL SKELETAL LESIONS. Identifiers: Orphanet 53697, MedGen C1833736, MONDO:0008151, OMIM 166260.
Autosomal recessive limb-girdle muscular dystrophy type 2L (LGMDR12). Also called: Limb-girdle muscular dystrophy, type 2L; MUSCULAR DYSTROPHY, LIMB-GIRDLE, AUTOSOMAL RECESSIVE 12; Limb-Girdle Muscular Dystrophy R12 Anoctamin-5-Related (LGMD-R12). Identifiers: Orphanet 206549, MedGen C1969785, MONDO:0012652, OMIM 611307.

Allele frequency attached by ClinVar (database versions not stated): gnomAD 0.00001.
gnomAD v4.1: 5 of 1,613,426 alleles (0.00031%); highest among the groups gnomAD compares: African/African-American, 0.0013%; no homozygotes.

Submission:

Labcorp Genetics (formerly Invitae), Labcorp
Classification: Uncertain significance for Autosomal recessive limb-girdle muscular dystrophy type 2L; Gnathodiaphyseal dysplasia. Last evaluated: 2021-11-15. Review status: criteria provided, single submitter. Criteria: Invitae Variant Classification Sherloc (09022015). Collection method: clinical testing. Allele origin: germline.
Comment: In summary, the available evidence is currently insufficient to determine the role of this variant in disease. Therefore, it has been classified as a Variant of Uncertain Significance. Advanced modeling of protein sequence and biophysical properties (such as structural, functional, and spatial information, amino acid conservation, physicochemical variation, residue mobility, and thermodynamic stability) performed at Invitae indicates that this missense variant is not expected to disrupt ANO5 protein function. This variant has not been reported in the literature in individuals affected with ANO5-related conditions. This variant is not present in population databases (gnomAD no frequency). This sequence change replaces glycine, which is neutral and non-polar, with glutamic acid, which is acidic and polar, at codon 171 of the ANO5 protein (p.Gly171Glu).